The following is an entry in ClinVar:

NM_025114.4(CEP290):c.4676A>G (p.Tyr1559Cys)

Gene: CEP290 (centrosomal protein 290; minus strand). Cytogenetic location: 12q21.32.
Variant type: single nucleotide variant.
Coding change: c.4676A>G on transcript NM_025114.4 (MANE Select); coding-DNA position 4676, A replaced by G.
Protein change: p.Tyr1559Cys; replaces tyrosine 1559 with cysteine.
Molecular consequence: missense variant.
Genome position (GRCh38, 1-based): chr12:88,084,614, T>C on the plus strand (A>G on the coding strand, the complement: CEP290 is on the minus strand). VCF-style: chr12-88084614-T-C. GRCh37 (hg19) VCF-style: chr12-88478391-T-C.
Other names: short protein forms Y1559C.
Identifiers: ClinVar variation 2072571 (VCV002072571.1), dbSNP rs2499985482, ClinGen allele CA385994574.

ClinVar aggregate classification (germline): Uncertain significance (1 of 4 stars; one submission).

Conditions:
Joubert syndrome. Also called: CEREBELLOPARENCHYMAL DISORDER IV; JOUBERT-BOLTSHAUSER SYNDROME; Familial aplasia of the vermis. Identifiers: Orphanet 475, MedGen C5979921, MONDO:0018772.
Nephronophthisis. Also called: Juvenile Nephronophthisis. Identifiers: Orphanet 655, MedGen C0687120, MONDO:0019005, HP:0000090.
Meckel-Gruber syndrome. Also called: DYSENCEPHALIA SPLANCHNOCYSTICA; GRUBER SYNDROME; Dysencephalia splachnocystica. Identifiers: Orphanet 564, MedGen C0265215, MONDO:0018921.

Allele frequency attached by ClinVar (database versions not stated): gnomAD exomes below 0.00001.
gnomAD v4.1: 2 of 1,612,248 alleles (0.00012%); highest among the groups gnomAD compares: Non-Finnish European, 0.00017%; no homozygotes.

Submission:

Labcorp Genetics (formerly Invitae), Labcorp
Classification: Uncertain significance for Joubert syndrome; Meckel-Gruber syndrome; Nephronophthisis. Last evaluated: 2022-08-20. Review status: criteria provided, single submitter. Criteria: Invitae Variant Classification Sherloc (09022015). Collection method: clinical testing. Allele origin: germline.
Comment: This sequence change replaces tyrosine, which is neutral and polar, with cysteine, which is neutral and slightly polar, at codon 1559 of the CEP290 protein (p.Tyr1559Cys). This variant is not present in population databases (gnomAD no frequency). This variant has not been reported in the literature in individuals affected with CEP290-related conditions. Algorithms developed to predict the effect of missense changes on protein structure and function are either unavailable or do not agree on the potential impact of this missense change (SIFT: "Deleterious"; PolyPhen-2: "Probably Damaging"; Align-GVGD: "Class C0"). In summary, the available evidence is currently insufficient to determine the role of this variant in disease. Therefore, it has been classified as a Variant of Uncertain Significance.